The following is an entry in ClinVar:

NM_001352754.2(ARMC9):c.1097T>C (p.Leu366Ser)

Gene: ARMC9 (armadillo repeat containing 9; plus strand). Cytogenetic location: 2q37.1.
Variant type: single nucleotide variant.
Coding change: c.1097T>C on transcript NM_001352754.2 (MANE Select); coding-DNA position 1097, T replaced by C.
Protein change: p.Leu366Ser; replaces leucine 366 with serine.
Molecular consequence: missense variant. On other transcripts: non-coding transcript variant (1).
Genome position (GRCh38, 1-based): chr2:231,262,376, T>C. VCF-style: chr2-231262376-T-C. GRCh37 (hg19) VCF-style: chr2-232127089-T-C.
Other names: c.1097T>C (NM_025139.3); c.1097T>C, p.Leu366Ser (NM_001271466.4, NM_001291656.2, NM_001352755.2 and 3 more transcripts); c.998T>C, p.Leu333Ser (NM_001352757.2, NM_001352758.2); short protein forms L333S, L366S.
Identifiers: ClinVar variation 1011267 (VCV001011267.6), dbSNP rs376382781, ClinGen allele CA66850690.

ClinVar aggregate classification (germline): Uncertain significance. Review status: criteria provided, multiple submitters, no conflicts (2 of 4 stars). 2 submissions from 2 submitters: Uncertain significance (2). Last evaluated 2025-05-23.

Conditions:
Inborn genetic diseases. Identifiers: MedGen C0950123, MeSH D030342.

Allele frequency attached by ClinVar (database versions not stated): gnomAD 0.00001; gnomAD exomes 0.00001; TOPMed 0.00001; ESP Exome Variant Server 0.00008.
gnomAD v4.1: 5 of 1,614,040 alleles (0.00031%); highest among the groups gnomAD compares: Non-Finnish European, 0.00042%; no homozygotes.

Submissions (2):

Ambry Genetics
Classification: Uncertain significance for Inborn genetic diseases. Last evaluated: 2025-05-23. Review status: criteria provided, single submitter. Criteria: Ambry Variant Classification Scheme 2023. Collection method: clinical testing. Allele origin: germline.

Labcorp Genetics (formerly Invitae), Labcorp
Classification: Uncertain significance. Last evaluated: 2025-01-27. Review status: criteria provided, single submitter. Criteria: Invitae Variant Classification Sherloc (09022015). Collection method: clinical testing. Allele origin: germline.
Comment: This sequence change replaces leucine, which is neutral and non-polar, with serine, which is neutral and polar, at codon 366 of the ARMC9 protein (p.Leu366Ser). This variant is not present in population databases (gnomAD no frequency). This variant has not been reported in the literature in individuals affected with ARMC9-related conditions. ClinVar contains an entry for this variant (Variation ID: 1011267). Experimental studies and prediction algorithms are not available or were not evaluated, and the functional significance of this variant is currently unknown. In summary, the available evidence is currently insufficient to determine the role of this variant in disease. Therefore, it has been classified as a Variant of Uncertain Significance.